The following is an entry in ClinVar:

NM_000271.5(NPC1):c.2373+4A>G

Gene: NPC1 (NPC intracellular cholesterol transporter 1; minus strand). Cytogenetic location: 18q11.2.
Variant type: single nucleotide variant.
Coding change: c.2373+4A>G on transcript NM_000271.5 (MANE Select); 4 bases into the intron after coding-DNA position 2373, A replaced by G.
Molecular consequence: intron variant.
Genome position (GRCh38, 1-based): chr18:23,541,302, T>C on the plus strand (A>G on the coding strand, the complement: NPC1 is on the minus strand). VCF-style: chr18-23541302-T-C. GRCh37 (hg19) VCF-style: chr18-21121266-T-C.
Identifiers: ClinVar variation 2066464 (VCV002066464.1), dbSNP rs773573065, ClinGen allele CA8913135.

ClinVar aggregate classification (germline): Uncertain significance (1 of 4 stars; one submission).

Conditions:
Niemann-Pick disease, type C1. Also called: NEUROVISCERAL STORAGE DISEASE WITH VERTICAL SUPRANUCLEAR OPHTHALMOPLEGIA; NIEMANN-PICK DISEASE WITH CHOLESTEROL ESTERIFICATION BLOCK; NIEMANN-PICK DISEASE WITHOUT SPHINGOMYELINASE DEFICIENCY; NIEMANN-PICK DISEASE, CHRONIC NEURONOPATHIC FORM; NIEMANN-PICK DISEASE, VARIANT TYPE C1. Identifiers: Orphanet 646, MedGen C3179455, MONDO:0009757, OMIM 257220.

Allele frequency attached by ClinVar (database versions not stated): gnomAD exomes below 0.00001; TOPMed below 0.00001; ExAC 0.00001.
gnomAD v4.1: 7 of 1,614,086 alleles (0.00043%); highest among the groups gnomAD compares: Non-Finnish European, 0.00042%; no homozygotes.

Submission:

Labcorp Genetics (formerly Invitae), Labcorp
Classification: Uncertain significance for Niemann-Pick disease, type C1. Last evaluated: 2022-06-22. Review status: criteria provided, single submitter. Criteria: Invitae Variant Classification Sherloc (09022015). Collection method: clinical testing. Allele origin: germline.
Comment: This sequence change falls in intron 15 of the NPC1 gene. It does not directly change the encoded amino acid sequence of the NPC1 protein. It affects a nucleotide within the consensus splice site. This variant is present in population databases (rs773573065, gnomAD 0.0009%). This variant has not been reported in the literature in individuals affected with NPC1-related conditions. Variants that disrupt the consensus splice site are a relatively common cause of aberrant splicing (PMID: 17576681, 9536098). Algorithms developed to predict the effect of sequence changes on RNA splicing suggest that this variant may create or strengthen a splice site. In summary, the available evidence is currently insufficient to determine the role of this variant in disease. Therefore, it has been classified as a Variant of Uncertain Significance.

Literature cited by the submitters: PubMed 17576681; PubMed 9536098.